The following is an entry in ClinVar:

ClinVar aggregate classification (germline): Uncertain significance (1 of 4 stars; one submission).

Conditions:
Congenital dyserythropoietic anemia, type II (CDAN2). Also called: DYSERYTHROPOIETIC ANEMIA, HEMPAS TYPE. Identifiers: Orphanet 98873, MedGen C1306589, MONDO:0009134, OMIM 224100.
Cowden syndrome 7 (CWS7). Identifiers: Orphanet 201, MedGen C4225179, MONDO:0014802, OMIM 616858.

Submission:

Labcorp Genetics (formerly Invitae), Labcorp
Classification: Uncertain significance for Congenital dyserythropoietic anemia, type II; Cowden syndrome 7. Last evaluated: 2023-09-27. Review status: criteria provided, single submitter. Criteria: Invitae Variant Classification Sherloc (09022015). Collection method: clinical testing. Allele origin: germline.
Comment: An algorithm developed to predict the effect of missense changes on protein structure and function (PolyPhen-2) suggests that this variant is likely to be disruptive. This sequence change replaces aspartic acid, which is acidic and polar, with histidine, which is basic and polar, at codon 748 of the SEC23B protein (p.Asp748His). This variant is not present in population databases (gnomAD no frequency). This variant has not been reported in the literature in individuals affected with SEC23B-related conditions. In summary, the available evidence is currently insufficient to determine the role of this variant in disease. Therefore, it has been classified as a Variant of Uncertain Significance.

NM_006363.6(SEC23B):c.2242G>C (p.Asp748His)

Gene: SEC23B (SEC23 homolog B, COPII component; plus strand). Cytogenetic location: 20p11.23.
Variant type: single nucleotide variant.
Coding change: c.2242G>C on transcript NM_006363.6 (MANE Select); coding-DNA position 2242, G replaced by C.
Protein change: p.Asp748His; replaces aspartic acid 748 with histidine.
Molecular consequence: missense variant.
Genome position (GRCh38, 1-based): chr20:18,560,678, G>C. VCF-style: chr20-18560678-G-C. GRCh37 (hg19) VCF-style: chr20-18541322-G-C.
Other names: c.2242G>C, p.Asp748His (NM_001172745.3, NM_032985.6, NM_032986.5); c.2188G>C, p.Asp730His (NM_001172746.3); short protein forms D748H, D730H.
Identifiers: ClinVar variation 2952301 (VCV002952301.3), dbSNP rs2122200225, ClinGen allele CA408367230.